The following is an entry in ClinVar:

NM_080680.3(COL11A2):c.1714C>A (p.His572Asn)

Gene: COL11A2 (collagen type XI alpha 2 chain; minus strand). Cytogenetic location: 6p21.32.
Variant type: single nucleotide variant.
Coding change: c.1714C>A on transcript NM_080680.3 (MANE Select); coding-DNA position 1714, C replaced by A.
Protein change: p.His572Asn; replaces histidine 572 with asparagine.
Molecular consequence: missense variant.
Genome position (GRCh38, 1-based): chr6:33,178,684, G>T on the plus strand (C>A on the coding strand, the complement: COL11A2 is on the minus strand). VCF-style: chr6-33178684-G-T. GRCh37 (hg19) VCF-style: chr6-33146461-G-T.
Other names: c.1393C>A, p.His465Asn (NM_080679.3); c.1456C>A, p.His486Asn (NM_080681.3); short protein forms H486N, H465N, H572N.
Identifiers: ClinVar variation 907291 (VCV000907291.9), dbSNP rs751888761, ClinGen allele CA3751247.

ClinVar aggregate classification (germline): Conflicting classifications of pathogenicity. Review status: criteria provided, conflicting classifications (1 of 4 stars). 6 submissions from 4 submitters: Uncertain significance (5); Likely benign (1). Last evaluated 2025-11-15.

Conditions:
Fibrochondrogenesis 2 (FBCG2). Identifiers: Orphanet 2021, MedGen C3281128, MONDO:0013795, OMIM 614524.
Otospondylomegaepiphyseal dysplasia, autosomal recessive (OSMEDB). Also called: CHONDRODYSTROPHY WITH SENSORINEURAL DEAFNESS; Insley-Astley syndrome. Identifiers: Orphanet 1427, MedGen CN034493, MONDO:0044206, OMIM 215150.
Otospondylomegaepiphyseal dysplasia, autosomal dominant (OSMEDA). Also called: COL11A2-Related Stickler Syndrome; Stickler syndrome, type 3; Pierre Robin syndrome with fetal chondrodysplasia. Identifiers: Orphanet 166100, Orphanet 3450, MedGen C1848488, MONDO:0008490, OMIM 184840.
Inborn genetic diseases. Identifiers: MedGen C0950123, MeSH D030342.

Allele frequency attached by ClinVar (database versions not stated): TOPMed below 0.00001; gnomAD exomes 0.00001 and 0.00002; ExAC 0.00002.
gnomAD v4.1: 15 of 1,612,788 alleles (0.00093%); highest among the groups gnomAD compares: South Asian, 0.0077%; 1 homozygote.

Submissions (6):

Labcorp Genetics (formerly Invitae), Labcorp
Classification: Likely benign. Last evaluated: 2025-11-15. Review status: criteria provided, single submitter. Criteria: Invitae Variant Classification Sherloc (09022015). Collection method: clinical testing. Allele origin: germline.

Ambry Genetics
Classification: Uncertain significance for Inborn genetic diseases. Last evaluated: 2023-12-27. Review status: criteria provided, single submitter. Criteria: Ambry Variant Classification Scheme 2023. Collection method: clinical testing. Allele origin: germline.

GeneDx
Classification: Uncertain significance. Last evaluated: 2019-03-19. Review status: criteria provided, single submitter. Criteria: GeneDx Variant Classification Process June 2021. Collection method: clinical testing. Allele origin: germline. Affected: yes.
Comment: In silico analysis, which includes protein predictors and evolutionary conservation, supports a deleterious effect; Has not been previously published as pathogenic or benign to our knowledge

Illumina Laboratory Services, Illumina
Classification: Uncertain significance for Fibrochondrogenesis 2. Last evaluated: 2018-01-12. Review status: criteria provided, single submitter. Criteria: ICSL Variant Classification Criteria 13 December 2019. Collection method: clinical testing. Allele origin: germline.

Illumina Laboratory Services, Illumina
Classification: Uncertain significance for Otospondylomegaepiphyseal dysplasia, autosomal dominant. Last evaluated: 2018-01-12. Review status: criteria provided, single submitter. Criteria: ICSL Variant Classification Criteria 13 December 2019. Collection method: clinical testing. Allele origin: germline.

Illumina Laboratory Services, Illumina
Classification: Uncertain significance for Otospondylomegaepiphyseal dysplasia, autosomal recessive. Last evaluated: 2018-01-12. Review status: criteria provided, single submitter. Criteria: ICSL Variant Classification Criteria 13 December 2019. Collection method: clinical testing. Allele origin: germline.